The following is an entry in ClinVar:

NM_001374623.1(PNPLA1):c.1420G>A (p.Ala474Thr)

Gene: PNPLA1 (patatin like domain 1, omega-hydroxyceramide transacylase; plus strand). Cytogenetic location: 6p21.31.
Variant type: single nucleotide variant.
Coding change: c.1420G>A on transcript NM_001374623.1 (MANE Select); coding-DNA position 1420, G replaced by A.
Protein change: p.Ala474Thr; replaces alanine 474 with threonine.
Molecular consequence: missense variant.
Genome position (GRCh38, 1-based): chr6:36,306,327, G>A. VCF-style: chr6-36306327-G-A. GRCh37 (hg19) VCF-style: chr6-36274104-G-A.
Other names: c.1420G>A, p.Ala474Thr (NM_001145717.1); c.1162G>A, p.Ala388Thr (NM_001145716.2); c.1135G>A, p.Ala379Thr (NM_173676.2); short protein forms A379T, A474T, A388T.
Identifiers: ClinVar variation 356575 (VCV000356575.36), dbSNP rs139909055, ClinGen allele CA3778020.
Genomic context (GRCh38, chr6:36,306,327, plus strand): 5'-CCGTTTCCTATATCTTTACTTTTAGCTGTAGCTCTTCTTGTCTCTTCAAAACCAAAAAGC[G>A]CCGTGCCTCTGGTTCATGTGAAGGAAACCGTCAGCAAGCCTTATGTAACGTAAGTTTCCC-3'
Protein context (NP_001361552.1, residues 464-484): ALLVSSKPKS[Ala474Thr]VPLVHVKETV

ClinVar aggregate classification (germline): Conflicting classifications of pathogenicity. Review status: criteria provided, conflicting classifications (1 of 4 stars). 3 submissions from 3 submitters: Uncertain significance (1); Likely benign (2). Last evaluated 2024-01-30.

Conditions:
Autosomal recessive congenital ichthyosis 10 (ARCI10). Identifiers: Orphanet 79394, MedGen C3554355, MONDO:0014011, OMIM 615024.
Inborn genetic diseases. Identifiers: MedGen C0950123, MeSH D030342.

Allele frequency attached by ClinVar (database versions not stated): TOPMed 0.00008; gnomAD exomes 0.00010; gnomAD 0.00011; ExAC 0.00014; ESP Exome Variant Server 0.00023.

Submissions (3):

Ambry Genetics
Classification: Likely benign for Inborn genetic diseases. Last evaluated: 2024-01-30. Review status: criteria provided, single submitter. Criteria: Ambry Variant Classification Scheme 2023. Collection method: clinical testing. Allele origin: germline.

CeGaT Center for Human Genetics Tuebingen
Classification: Likely benign. Last evaluated: 2022-08-01. Review status: criteria provided, single submitter. Criteria: CeGaT Center For Human Genetics Tuebingen Variant Classification Criteria Version 2. Collection method: clinical testing. Allele origin: germline. Affected: yes. Observed: 1 variant allele.
Comment: PNPLA1: BP4

Illumina Laboratory Services, Illumina
Classification: Uncertain significance for Autosomal recessive congenital ichthyosis 10. Last evaluated: 2018-01-12. Review status: criteria provided, single submitter. Criteria: ICSL Variant Classification Criteria 13 December 2019. Collection method: clinical testing. Allele origin: germline.